The following is an entry in ClinVar:

NM_006648.4(WNK2):c.1219C>T (p.Arg407Cys)

Gene: WNK2 (WNK lysine deficient protein kinase 2; plus strand). Cytogenetic location: 9q22.31.
Variant type: single nucleotide variant.
Coding change: c.1219C>T on transcript NM_006648.4 (MANE Select); coding-DNA position 1219, C replaced by T.
Protein change: p.Arg407Cys; replaces arginine 407 with cysteine.
Molecular consequence: missense variant.
Genome position (GRCh38, 1-based): chr9:93,234,951, C>T. VCF-style: chr9-93234951-C-T. GRCh37 (hg19) VCF-style: chr9-95997233-C-T.
Other names: c.1219C>T, p.Arg407Cys (NM_001282394.3); short protein forms R407C.
Identifiers: ClinVar variation 3817137 (VCV003817137.1).

ClinVar aggregate classification (germline): Uncertain significance (1 of 4 stars; one submission).

Submission:

Ambry Genetics
Classification: Uncertain significance. Last evaluated: 2025-02-22. Review status: criteria provided, single submitter. Criteria: Ambry Variant Classification Scheme 2023. Collection method: clinical testing. Allele origin: germline.
Comment: The p.R407C variant (also known as c.1219C>T), located in coding exon 4 of the WNK2 gene, results from a C to T substitution at nucleotide position 1219. The arginine at codon 407 is replaced by cysteine, an amino acid with highly dissimilar properties. This amino acid position is conserved. In addition, the in silico prediction for this alteration is inconclusive. Based on the available evidence, the clinical significance of this variant remains unclear.